The following is an entry in ClinVar:

NM_001486.4(GCKR):c.73G>A (p.Glu25Lys)

Gene: GCKR (glucokinase regulator; plus strand). Cytogenetic location: 2p23.3.
Variant type: single nucleotide variant.
Coding change: c.73G>A on transcript NM_001486.4 (MANE Select); coding-DNA position 73, G replaced by A.
Protein change: p.Glu25Lys; replaces glutamic acid 25 with lysine.
Molecular consequence: missense variant.
Genome position (GRCh38, 1-based): chr2:27,497,256, G>A. VCF-style: chr2-27497256-G-A. GRCh37 (hg19) VCF-style: chr2-27720123-G-A.
Other names: c.73G>A (NM_001486.3); short protein forms E25K.
Identifiers: ClinVar variation 1517183 (VCV001517183.7), dbSNP rs146855458, ClinGen allele CA1581425.

ClinVar aggregate classification (germline): Uncertain significance. Review status: criteria provided, multiple submitters, no conflicts (2 of 4 stars). 2 submissions from 2 submitters: Uncertain significance (2). Last evaluated 2026-01-05.

Allele frequency attached by ClinVar (database versions not stated): ExAC 0.00002; gnomAD exomes 0.00005 and 0.00006; gnomAD 0.00006; TOPMed 0.00008; ESP Exome Variant Server 0.00015.
gnomAD v4.1: 96 of 1,614,052 alleles (0.0059%); highest among the groups gnomAD compares: Admixed American, 0.017%; no homozygotes.

Submissions (2):

Labcorp Genetics (formerly Invitae), Labcorp
Classification: Uncertain significance. Last evaluated: 2026-01-05. Review status: criteria provided, single submitter. Criteria: Invitae Variant Classification Sherloc (09022015). Collection method: clinical testing. Allele origin: germline.
Comment: This sequence change replaces glutamic acid, which is acidic and polar, with lysine, which is basic and polar, at codon 25 of the GCKR protein (p.Glu25Lys). This variant is present in population databases (rs146855458, gnomAD 0.009%). This missense change has been observed in individual(s) with dyslipidemia (PMID: 36325899). ClinVar contains an entry for this variant (Variation ID: 1517183). Invitae Evidence Modeling of protein sequence and biophysical properties (such as structural, functional, and spatial information, amino acid conservation, physicochemical variation, residue mobility, and thermodynamic stability) indicates that this missense variant is not expected to disrupt GCKR protein function with a negative predictive value of 80%. In summary, the available evidence is currently insufficient to determine the role of this variant in disease. Therefore, it has been classified as a Variant of Uncertain Significance.

Ambry Genetics
Classification: Uncertain significance. Last evaluated: 2024-07-30. Review status: criteria provided, single submitter. Criteria: Ambry Variant Classification Scheme 2023. Collection method: clinical testing. Allele origin: germline.

Literature cited by the submitters: PubMed 36325899 (cited by Labcorp Genetics (formerly Invitae), Labcorp).